The following is an entry in ClinVar:

ClinVar aggregate classification (germline): Uncertain significance (1 of 4 stars; one submission).

gnomAD v4.1: 1 of 1,608,818 alleles (0.000062%); highest among the groups gnomAD compares: Non-Finnish European, 0.000085%; no homozygotes.

Submission:

Labcorp Genetics (formerly Invitae), Labcorp
Classification: Uncertain significance. Last evaluated: 2024-11-23. Review status: criteria provided, single submitter. Criteria: Invitae Variant Classification Sherloc (09022015). Collection method: clinical testing. Allele origin: germline.
Comment: This sequence change falls in intron 8 of the MYH3 gene. It does not directly change the encoded amino acid sequence of the MYH3 protein. This variant is present in population databases (no rsID available, gnomAD 0.0009%). This variant has not been reported in the literature in individuals affected with MYH3-related conditions. Algorithms developed to predict the effect of sequence changes on RNA splicing suggest that this variant may disrupt the consensus splice site. In summary, the available evidence is currently insufficient to determine the role of this variant in disease. Therefore, it has been classified as a Variant of Uncertain Significance.

NM_002470.4(MYH3):c.735+17T>G

Gene: MYH3 (myosin heavy chain 3; minus strand). Cytogenetic location: 17p13.1.
Variant type: single nucleotide variant.
Coding change: c.735+17T>G on transcript NM_002470.4 (MANE Select); 17 bases into the intron after coding-DNA position 735, T replaced by G.
Molecular consequence: intron variant.
Genome position (GRCh38, 1-based): chr17:10,648,540, A>C on the plus strand (T>G on the coding strand, the complement: MYH3 is on the minus strand). VCF-style: chr17-10648540-A-C. GRCh37 (hg19) VCF-style: chr17-10551857-A-C.
Identifiers: ClinVar variation 3717982 (VCV003717982.2).